The following is an entry in ClinVar:

NM_002471.4(MYH6):c.3979-9C>A

Gene: MYH6 (myosin heavy chain 6; minus strand). Cytogenetic location: 14q11.2.
Variant type: single nucleotide variant.
Coding change: c.3979-9C>A on transcript NM_002471.4 (MANE Select); 9 bases into the intron before coding-DNA position 3979, C replaced by A.
Molecular consequence: intron variant.
Genome position (GRCh38, 1-based): chr14:23,389,064, G>T on the plus strand (C>A on the coding strand, the complement: MYH6 is on the minus strand). VCF-style: chr14-23389064-G-T. GRCh37 (hg19) VCF-style: chr14-23858273-G-T.
Identifiers: ClinVar variation 414324 (VCV000414324.23), dbSNP rs57660219, ClinGen allele CA7114973.

ClinVar aggregate classification (germline): Benign/Likely benign. Review status: criteria provided, multiple submitters, no conflicts (2 of 4 stars). 9 submissions from 9 submitters: Benign (2); Likely benign (2). 5 of the submissions do not count toward it. Last evaluated 2026-01-26.

Conditions:
MYH6-related disorder. Also called: MYH6-Related Disorders; MYH6-related condition.
Cardiomyopathy (CMYO). Also called: Cardiomyopathies. Identifiers: Orphanet 167848, MedGen C0878544, MONDO:0004994, HP:0001638. Inheritance: Various modes of inheritance.
Hypertrophic cardiomyopathy 14. Identifiers: MedGen C2750467, MONDO:0013197, OMIM 613251.

Allele frequency attached by ClinVar (database versions not stated): TOPMed 0.00030; 1000 Genomes Project 0.00160.

Submissions (9):

Labcorp Genetics (formerly Invitae), Labcorp
Classification: Benign for Hypertrophic cardiomyopathy 14. Last evaluated: 2026-01-26. Review status: criteria provided, single submitter. Criteria: Invitae Variant Classification Sherloc (09022015). Collection method: clinical testing. Allele origin: germline.

Blueprint Genetics
Classification: Likely benign. Last evaluated: 2024-10-15. Review status: criteria provided, single submitter. Criteria: ACMG Guidelines, 2015. Collection method: clinical testing. Allele origin: germline.

GeneDx
Classification: Benign. Last evaluated: 2019-10-29. Review status: criteria provided, single submitter. Criteria: GeneDx Variant Classification Process June 2021. Collection method: clinical testing. Allele origin: germline. Affected: yes.

CHEO Genetics Diagnostic Laboratory, Children's Hospital of Eastern Ontario
Classification: Likely benign for Cardiomyopathy. Last evaluated: 2016-06-16. Review status: criteria provided, single submitter. Criteria: ACMG Guidelines, 2015. Collection method: clinical testing. Allele origin: germline. Study: Canadian Open Genetics Repository.

PreventionGenetics, part of Exact Sciences
Classification: Benign for MYH6-related condition. Last evaluated: 2024-08-21. Review status: no assertion criteria provided. Collection method: clinical testing. Allele origin: germline. Not counted in ClinVar's aggregate classification.
Comment: This variant is classified as benign based on ACMG/AMP sequence variant interpretation guidelines (Richards et al. 2015 PMID: 25741868, with internal and published modifications).

Clinical Genetics, Academic Medical Center
Classification: Benign. Review status: no assertion criteria provided. Collection method: clinical testing. Allele origin: germline. Affected: yes. Study: VKGL Data-share Consensus. Not counted in ClinVar's aggregate classification.

Diagnostic Laboratory, Department of Genetics, University Medical Center Groningen
Classification: Likely benign. Review status: no assertion criteria provided. Collection method: clinical testing. Allele origin: germline. Affected: yes. Study: VKGL Data-share Consensus. Not counted in ClinVar's aggregate classification.

Genome Diagnostics Laboratory, University Medical Center Utrecht
Classification: Benign. Review status: no assertion criteria provided. Collection method: clinical testing. Allele origin: germline. Affected: yes. Study: VKGL Data-share Consensus. Not counted in ClinVar's aggregate classification.

Joint Genome Diagnostic Labs from Nijmegen and Maastricht, Radboudumc and MUMC+
Classification: Benign. Review status: no assertion criteria provided. Collection method: clinical testing. Allele origin: germline. Affected: yes. Study: VKGL Data-share Consensus. Not counted in ClinVar's aggregate classification.